The following is an entry in ClinVar:

ClinVar aggregate classification (germline): Conflicting classifications of pathogenicity. Review status: criteria provided, conflicting classifications (1 of 4 stars). 2 submissions from 2 submitters: Uncertain significance (1); Likely benign (1). Last evaluated 2025-04-10.

Conditions:
Hereditary cancer-predisposing syndrome. Also called: Neoplastic Syndromes, Hereditary; Hereditary neoplastic syndrome; Tumor predisposition; Hereditary Cancer Syndrome. Identifiers: Orphanet 140162, MedGen C0027672, MeSH D009386, MONDO:0015356.

Submissions (2):

Ambry Genetics
Classification: Uncertain significance for Hereditary cancer-predisposing syndrome. Last evaluated: 2025-04-10. Review status: criteria provided, single submitter. Criteria: Ambry Variant Classification Scheme 2023. Collection method: clinical testing. Allele origin: germline.
Comment: The p.T1947P variant (also known as c.5839A>C), located in coding exon 15 of the APC gene, results from an A to C substitution at nucleotide position 5839. The threonine at codon 1947 is replaced by proline, an amino acid with highly similar properties. This amino acid position is conserved. Missense alterations in APC are not a common cause of disease (Spier I et al. Genet Med. 2024 Feb;26(2):100992). In addition, in silico predictors for this gene do not accurately predict pathogenicity. Since supporting evidence is limited at this time, the clinical significance of this alteration remains unclear.

ARUP Laboratories, Molecular Genetics and Genomics, ARUP Laboratories
Classification: Likely benign. Last evaluated: 2018-05-14. Review status: criteria provided, single submitter. Criteria: ARUP Molecular Germline Variant Investigation Process. Collection method: clinical testing. Allele origin: germline.
Comment: The APC c.5839A>C; p.Thr1947Pro variant, to our knowledge, is not reported in the medical literature or gene specific databases. This variant is also absent from the general population databases (1000 Genomes Project, Exome Variant Server, and Genome Aggregation Database), indicating it is not a common polymorphism. The threonine at codon 1947 is moderately conserved, but computational analyses (SIFT, PolyPhen-2) predict that this variant is tolerated. Additionally, the vast majority of pathogenic APC variants are truncating nonsense or frameshift variants (see InSiGHt, Kerr 2013), rather than missense variants. Based on available information, this variant is considered to be likely benign. REFERENCES Link to InSiGHt. Kerr SE et al. APC germline mutations in individuals being evaluated for familial adenomatous polyposis: a review of the Mayo Clinic experience with 1591 consecutive tests. J Mol Diagn. 2013 Jan;15(1):31-43.

NM_000038.6(APC):c.5839A>C (p.Thr1947Pro)

Gene: APC (APC regulator of Wnt signaling pathway; plus strand). Cytogenetic location: 5q22.2.
Variant type: single nucleotide variant.
Coding change: c.5839A>C on transcript NM_000038.6 (MANE Select); coding-DNA position 5839, A replaced by C.
Protein change: p.Thr1947Pro; replaces threonine 1947 with proline.
Molecular consequence: missense variant.
Genome position (GRCh38, 1-based): chr5:112,841,433, A>C. VCF-style: chr5-112841433-A-C. GRCh37 (hg19) VCF-style: chr5-112177130-A-C.
Other names: c.5839A>C, p.Thr1947Pro (NM_001127510.3, NM_001354895.2); c.5785A>C, p.Thr1929Pro (NM_001127511.3); c.5893A>C, p.Thr1965Pro (NM_001354896.2); c.5869A>C, p.Thr1957Pro (NM_001354897.2); c.5764A>C, p.Thr1922Pro (NM_001354898.2); c.5755A>C, p.Thr1919Pro (NM_001354899.2); c.5716A>C, p.Thr1906Pro (NM_001354900.2); c.5662A>C, p.Thr1888Pro (NM_001354901.2); and 5 more; short protein forms T1929P, T1947P, T1888P, T1664P, T1821P, T1919P, T1787P, T1846P.
Identifiers: ClinVar variation 617981 (VCV000617981.10), dbSNP rs746346292, ClinGen allele CA16034102.
Genomic context (GRCh38, chr5:112,841,433, plus strand): 5'-CTTCAGAAACAATCCACTTTTCCCCAGTCATCCAAAGACATACCAGACAGAGGGGCAGCA[A>C]CTGATGAAAAGTTACAGAATTTTGCTATTGAAAATACTCCGGTTTGCTTTTCTCATAATT-3'
Protein context (NP_000029.2, residues 1937-1957): SKDIPDRGAA[Thr1947Pro]DEKLQNFAIE